The following is an entry in ClinVar:

ClinVar aggregate classification (germline): Benign. Review status: criteria provided, multiple submitters, no conflicts (2 of 4 stars). 3 submissions from 2 submitters: Benign (3). Last evaluated 2019-03-10.

Conditions:
Sialic acid storage disease, severe infantile type (ISSD). Also called: Free sialic acid storage disease, infantile form; N-ACETYLNEURAMINIC ACID STORAGE DISEASE; NANA STORAGE DISEASE; INFANTILE SIALIC ACID STORAGE DISORDER; SIALURIA, INFANTILE FORM; Infantile Sialic Acid Storage Disease. Identifiers: Orphanet 309324, Orphanet 834, MedGen C1096902, MONDO:0010027, OMIM 269920.
Salla disease (SD). Also called: Sialuria, Finnish type; N-acetylneuraminic acid (NANA) storage disease (NSD); Infantile sialic acid storage disorder (ISSD); Less Severe FSASD (Salla Disease). Identifiers: Orphanet 309334, Orphanet 834, MedGen C1096903, MONDO:0011449, OMIM 604369.

Allele frequency attached by ClinVar (database versions not stated): gnomAD 0.05453 and 0.05670; TOPMed 0.06734; 1000 Genomes Project 0.06829; gnomAD exomes 0.06883; 1000 Genomes Project 30x 0.06964.
gnomAD v4.1: 41,557 of 633,690 alleles (6.6%); highest among the groups gnomAD compares: Admixed American, 21%; 2,029 homozygotes.

Submissions (3):

GeneDx
Classification: Benign. Last evaluated: 2019-03-10. Review status: criteria provided, single submitter. Criteria: GeneDx Variant Classification Process June 2021. Collection method: clinical testing. Allele origin: germline. Affected: yes.

Illumina Laboratory Services, Illumina
Classification: Benign for Salla disease. Last evaluated: 2018-01-12. Review status: criteria provided, single submitter. Criteria: ICSL Variant Classification Criteria 13 December 2019. Collection method: clinical testing. Allele origin: germline.
Comment: This variant was observed in the ICSL laboratory as part of a predisposition screen in an ostensibly healthy population. It had not been previously curated by ICSL or reported in the Human Gene Mutation Database (HGMD: prior to June 1st, 2018), and was therefore a candidate for classification through an automated scoring system. Utilizing variant allele frequency, disease prevalence and penetrance estimates, and inheritance mode, an automated score was calculated to assess if this variant is too frequent to cause the disease. Based on the score and internal cut-off values, a variant classified as benign is not then subjected to further curation. The score for this variant resulted in a classification of benign for this disease.

Illumina Laboratory Services, Illumina
Classification: Benign for Sialic acid storage disease, severe infantile type. Last evaluated: 2018-01-12. Review status: criteria provided, single submitter. Criteria: ICSL Variant Classification Criteria 13 December 2019. Collection method: clinical testing. Allele origin: germline.
Comment: the same text as in the submission from Illumina Laboratory Services, Illumina above.

NM_012434.5(SLC17A5):c.*193A>G

Gene: SLC17A5 (solute carrier family 17 member 5; minus strand). Cytogenetic location: 6q13.
Variant type: single nucleotide variant.
Coding change: c.*193A>G on transcript NM_012434.5 (MANE Select); 193 bases downstream of the stop codon, A replaced by G.
Molecular consequence: 3 prime UTR variant.
Genome position (GRCh38, 1-based): chr6:73,594,884, T>C on the plus strand (A>G on the coding strand, the complement: SLC17A5 is on the minus strand). VCF-style: chr6-73594884-T-C. GRCh37 (hg19) VCF-style: chr6-74304607-T-C.
Identifiers: ClinVar variation 357919 (VCV000357919.7), dbSNP rs3734517, ClinGen allele CA10622682.